The following is an entry in ClinVar:

NM_000701.8(ATP1A1):c.372A>T (p.Glu124Asp)

Gene: ATP1A1 (ATPase Na+/K+ transporting subunit alpha 1; plus strand). Cytogenetic location: 1p13.1.
Variant type: single nucleotide variant.
Coding change: c.372A>T on transcript NM_000701.8 (MANE Select); coding-DNA position 372, A replaced by T.
Protein change: p.Glu124Asp; replaces glutamic acid 124 with aspartic acid.
Molecular consequence: missense variant.
Genome position (GRCh38, 1-based): chr1:116,387,476, A>T. VCF-style: chr1-116387476-A-T. GRCh37 (hg19) VCF-style: chr1-116930098-A-T.
Other names: c.372A>T, p.Glu124Asp (NM_001160233.2); c.279A>T, p.Glu93Asp (NM_001160234.2); short protein forms E93D, E124D.
Identifiers: ClinVar variation 1913316 (VCV001913316.6), dbSNP rs756497821, ClinGen allele CA1025094.

ClinVar aggregate classification (germline): Uncertain significance. Review status: criteria provided, multiple submitters, no conflicts (2 of 4 stars). 2 submissions from 2 submitters: Uncertain significance (2). Last evaluated 2025-08-20.

Conditions:
Inborn genetic diseases. Identifiers: MedGen C0950123, MeSH D030342.

Allele frequency attached by ClinVar (database versions not stated): gnomAD 0.00001; TOPMed 0.00003; ExAC 0.00005.
gnomAD v4.1: 12 of 1,614,094 alleles (0.00074%); highest among the groups gnomAD compares: Admixed American, 0.018%; no homozygotes.

Submissions (2):

Labcorp Genetics (formerly Invitae), Labcorp
Classification: Uncertain significance. Last evaluated: 2025-08-20. Review status: criteria provided, single submitter. Criteria: Invitae Variant Classification Sherloc (09022015). Collection method: clinical testing. Allele origin: germline.
Comment: This sequence change replaces glutamic acid, which is acidic and polar, with aspartic acid, which is acidic and polar, at codon 124 of the ATP1A1 protein (p.Glu124Asp). This variant is present in population databases (rs756497821, gnomAD 0.03%). This variant has not been reported in the literature in individuals affected with ATP1A1-related conditions. ClinVar contains an entry for this variant (Variation ID: 1913316). Invitae Evidence Modeling of protein sequence and biophysical properties (such as structural, functional, and spatial information, amino acid conservation, physicochemical variation, residue mobility, and thermodynamic stability) indicates that this missense variant is not expected to disrupt ATP1A1 protein function with a negative predictive value of 95%. In summary, the available evidence is currently insufficient to determine the role of this variant in disease. Therefore, it has been classified as a Variant of Uncertain Significance.

Ambry Genetics
Classification: Uncertain significance for Inborn genetic diseases. Last evaluated: 2022-06-03. Review status: criteria provided, single submitter. Criteria: Ambry Variant Classification Scheme 2023. Collection method: clinical testing. Allele origin: germline.